The following is an entry in ClinVar:

ClinVar aggregate classification (germline): Benign. Review status: criteria provided, multiple submitters, no conflicts (2 of 4 stars). 6 submissions from 6 submitters: Benign (5). 1 of the submissions does not count toward it. Last evaluated 2026-01-18.

Conditions:
SYNE2-related disorder. Also called: SYNE2-related condition.
Emery-Dreifuss muscular dystrophy 5, autosomal dominant (EDMD5). Also called: EMERY-DREIFUSS MUSCULAR DYSTROPHY 5. Identifiers: Orphanet 261, MedGen C2751805, MONDO:0013072, OMIM 612999.

Allele frequency attached by ClinVar (database versions not stated): ExAC 0.00458; gnomAD 0.01518 and 0.01612; ESP Exome Variant Server 0.01561; 1000 Genomes Project 0.01737; TOPMed 0.01742; 1000 Genomes Project 30x 0.01874.
gnomAD v4.1: 4,467 of 1,614,010 alleles (0.28%); highest among the groups gnomAD compares: African/African-American, 5.2%; 110 homozygotes.

Submissions (6):

Labcorp Genetics (formerly Invitae), Labcorp
Classification: Benign for Emery-Dreifuss muscular dystrophy 5, autosomal dominant. Last evaluated: 2026-01-18. Review status: criteria provided, single submitter. Criteria: Invitae Variant Classification Sherloc (09022015). Collection method: clinical testing. Allele origin: germline.

GeneDx
Classification: Benign. Last evaluated: 2018-07-14. Review status: criteria provided, single submitter. Criteria: GeneDx Variant Classification Process June 2021. Collection method: clinical testing. Allele origin: germline. Affected: yes.

Illumina Laboratory Services, Illumina
Classification: Benign for Emery-Dreifuss muscular dystrophy 5, autosomal dominant. Last evaluated: 2018-01-13. Review status: criteria provided, single submitter. Criteria: ICSL Variant Classification Criteria 13 December 2019. Collection method: clinical testing. Allele origin: germline.
Comment: This variant was observed in the ICSL laboratory as part of a predisposition screen in an ostensibly healthy population. It had not been previously curated by ICSL or reported in the Human Gene Mutation Database (HGMD: prior to June 1st, 2018), and was therefore a candidate for classification through an automated scoring system. Utilizing variant allele frequency, disease prevalence and penetrance estimates, and inheritance mode, an automated score was calculated to assess if this variant is too frequent to cause the disease. Based on the score and internal cut-off values, a variant classified as benign is not then subjected to further curation. The score for this variant resulted in a classification of benign for this disease.

Athena Diagnostics
Classification: Benign. Last evaluated: 2017-05-04. Review status: criteria provided, single submitter. Criteria: Athena Diagnostics Criteria. Collection method: clinical testing. Allele origin: germline.

Breakthrough Genomics
Classification: Benign. Review status: criteria provided, single submitter. Criteria: ACMG Guidelines, 2015. Collection method: not provided. Allele origin: germline. Inheritance: Autosomal dominant inheritance. Affected: yes.

PreventionGenetics, part of Exact Sciences
Classification: Benign for SYNE2-related condition. Last evaluated: 2019-04-05. Review status: no assertion criteria provided. Collection method: clinical testing. Allele origin: germline. Not counted in ClinVar's aggregate classification.
Comment: This variant is classified as benign based on ACMG/AMP sequence variant interpretation guidelines (Richards et al. 2015 PMID: 25741868, with internal and published modifications).

NM_182914.3(SYNE2):c.10269C>G (p.Ile3423Met)

Gene: SYNE2 (spectrin repeat containing nuclear envelope protein 2; plus strand). Cytogenetic location: 14q23.2.
Variant type: single nucleotide variant.
Coding change: c.10269C>G on transcript NM_182914.3 (MANE Select); coding-DNA position 10269, C replaced by G.
Protein change: p.Ile3423Met; replaces isoleucine 3423 with methionine.
Molecular consequence: missense variant.
Genome position (GRCh38, 1-based): chr14:64,065,488, C>G. VCF-style: chr14-64065488-C-G. GRCh37 (hg19) VCF-style: chr14-64532206-C-G.
Other names: c.10269C>G, p.Ile3423Met (NM_015180.6); short protein forms I3423M.
Identifiers: ClinVar variation 313552 (VCV000313552.21), dbSNP rs35920722, ClinGen allele CA7221472.
Genomic context (GRCh38, chr14:64,065,488, plus strand): 5'-TAAGGCCTTGGTGTCAAATCTTATATCAACCAAAGAAGAGTTAATGAAACTACGACAGAT[C>G]CTTAGACTCTTGAGACTCAGGTGCACAGAAAATGATGGCATATGTTTGCTCAAGATTGTG-3'
Protein context (NP_878918.2, residues 3413-3433): TKEELMKLRQ[Ile3423Met]LRLLRLRCTE